The following is an entry in ClinVar:

ClinVar aggregate classification (germline): Uncertain significance. Review status: criteria provided, multiple submitters, no conflicts (2 of 4 stars). 2 submissions from 2 submitters: Uncertain significance (2). Last evaluated 2025-01-19.

Conditions:
Cardiovascular phenotype. Identifiers: MedGen CN230736.
Atrial septal defect 3 (ASD3). Identifiers: Orphanet 1478, MedGen C3279790, MONDO:0013567, OMIM 614089.
Sick sinus syndrome 3, susceptibility to (SSS3). Identifiers: Orphanet 166282, MedGen C3279791, MONDO:0013568, OMIM 614090.
Hypertrophic cardiomyopathy 1 (CMH1). Also called: MYH7-Related Familial Hypertrophic Cardiomyopathy; Familial hypertrophic cardiomyopathy 1. Identifiers: MedGen C3495498, MONDO:0008647, OMIM 192600.
Dilated cardiomyopathy 1EE (CMD1EE). Identifiers: Orphanet 154, MedGen C2750466, MONDO:0013198, OMIM 613252.
Hypertrophic cardiomyopathy 14. Identifiers: MedGen C2750467, MONDO:0013197, OMIM 613251.

gnomAD v4.1: 23 of 1,612,352 alleles (0.0014%); highest among the groups gnomAD compares: Non-Finnish European, 0.0018%; no homozygotes.

Submissions (2):

Ambry Genetics
Classification: Uncertain significance for Cardiovascular phenotype. Last evaluated: 2025-01-19. Review status: criteria provided, single submitter. Criteria: Ambry Variant Classification Scheme 2023. Collection method: clinical testing. Allele origin: germline.
Comment: The p.E1435Q variant (also known as c.4303G>C), located in coding exon 28 of the MYH6 gene, results from a G to C substitution at nucleotide position 4303. The glutamic acid at codon 1435 is replaced by glutamine, an amino acid with highly similar properties. This amino acid position is conserved. In addition, the in silico prediction for this alteration is inconclusive. Based on the available evidence, the clinical significance of this variant remains unclear.

Department of Pathology and Laboratory Medicine, Sinai Health System
Classification: Uncertain significance for Hypertrophic cardiomyopathy 1; Hypertrophic cardiomyopathy 14; Dilated cardiomyopathy 1EE; Atrial septal defect 3; Sick sinus syndrome 3, susceptibility to. Last evaluated: 2022-04-20. Review status: criteria provided, single submitter. Criteria: ACMG Guidelines, 2015. Collection method: research. Allele origin: germline.

NM_002471.4(MYH6):c.4303G>C (p.Glu1435Gln)

Gene: MYH6 (myosin heavy chain 6; minus strand). Cytogenetic location: 14q11.2.
Variant type: single nucleotide variant.
Coding change: c.4303G>C on transcript NM_002471.4 (MANE Select); coding-DNA position 4303, G replaced by C.
Protein change: p.Glu1435Gln; replaces glutamic acid 1435 with glutamine.
Molecular consequence: missense variant.
Genome position (GRCh38, 1-based): chr14:23,388,211, C>G on the plus strand (G>C on the coding strand, the complement: MYH6 is on the minus strand). VCF-style: chr14-23388211-C-G. GRCh37 (hg19) VCF-style: chr14-23857420-C-G.
Other names: short protein forms E1435Q.
Identifiers: ClinVar variation 3876447 (VCV003876447.1).